The following is an entry in ClinVar:

NM_022089.4(ATP13A2):c.1932del (p.Ala646fs)

Gene: ATP13A2 (ATPase cation transporting 13A2; minus strand). Cytogenetic location: 1p36.13.
Variant type: Deletion.
Coding change: c.1932del on transcript NM_022089.4 (MANE Select); coding-DNA position 1932, one base deleted (A; older notation c.1932delA).
Protein change: p.Ala646fs; shifts the reading frame from alanine 646.
Molecular consequence: frameshift variant.
Genome position (GRCh38, 1-based): chr1:16,992,316, T deleted on the plus strand (A on the coding strand, the reverse complement: ATP13A2 is on the minus strand). VCF-style (leftmost placement, unchanged base first): chr1-16992315-CT-C. GRCh37 (hg19) VCF-style: chr1-17318810-CT-C.
Other names: c.1917del, p.Ala641fs (NM_001141973.3, NM_001141974.3); short protein forms A641fs, A646fs.
Identifiers: ClinVar variation 2923611 (VCV002923611.3), dbSNP rs2076962370, ClinGen allele CA999061547.

ClinVar aggregate classification (germline): Pathogenic (1 of 4 stars; one submission).

Conditions:
Autosomal recessive spastic paraplegia type 78. Identifiers: Orphanet 513436, MedGen C5567893, MONDO:0014975, OMIM 617225.
Kufor-Rakeb syndrome (KRS). Also called: PARKINSON DISEASE 9, AUTOSOMAL RECESSIVE, JUVENILE-ONSET. Identifiers: Orphanet 306674, Orphanet 314632, MedGen C1847640, MONDO:0011706, OMIM 606693.

Allele frequency attached by ClinVar (database versions not stated): gnomAD exomes below 0.00001; TOPMed below 0.00001; gnomAD 0.00001.

Submission:

Labcorp Genetics (formerly Invitae), Labcorp
Classification: Pathogenic for Kufor-Rakeb syndrome; Autosomal recessive spastic paraplegia type 78. Last evaluated: 2023-08-05. Review status: criteria provided, single submitter. Criteria: Invitae Variant Classification Sherloc (09022015). Collection method: clinical testing. Allele origin: germline.
Comment: For these reasons, this variant has been classified as Pathogenic. This variant has not been reported in the literature in individuals affected with ATP13A2-related conditions. This variant is not present in population databases (gnomAD no frequency). This sequence change creates a premature translational stop signal (p.Ala646Profs*62) in the ATP13A2 gene. It is expected to result in an absent or disrupted protein product. Loss-of-function variants in ATP13A2 are known to be pathogenic (PMID: 16964263, 21696388).

Literature cited by the submitters: PubMed 16964263; PubMed 21696388.